The following is an entry in ClinVar:

NM_001374736.1(DST):c.11995A>G (p.Asn3999Asp)

Gene: DST (dystonin; minus strand). Cytogenetic location: 6p12.1.
Variant type: single nucleotide variant.
Coding change: c.11995A>G on transcript NM_001374736.1 (MANE Select); coding-DNA position 11995, A replaced by G.
Protein change: p.Asn3999Asp; replaces asparagine 3999 with aspartic acid.
Molecular consequence: missense variant.
Genome position (GRCh38, 1-based): chr6:56,597,940, T>C on the plus strand (A>G on the coding strand, the complement: DST is on the minus strand). VCF-style: chr6-56597940-T-C. GRCh37 (hg19) VCF-style: chr6-56462738-T-C.
Other names: c.5638A>G, p.Asn1880Asp (NM_001144769.5); c.5224A>G, p.Asn1742Asp (NM_001144770.2); c.11995A>G, p.Asn3999Asp (NM_001374722.1); c.11362A>G, p.Asn3788Asp (NM_001374729.1); c.5104A>G, p.Asn1702Asp (NM_001374730.1, NM_183380.4); c.12022A>G, p.Asn4008Asp (NM_001374734.1); c.4126A>G, p.Asn1376Asp (NM_015548.5); short protein forms N1702D, N1742D, N1880D, N1376D, N3788D, N4008D, N3999D.
Identifiers: ClinVar variation 966655 (VCV000966655.7), dbSNP rs763176189, ClinGen allele CA3868540.

ClinVar aggregate classification (germline): Uncertain significance. Review status: criteria provided, multiple submitters, no conflicts (2 of 4 stars). 2 submissions from 2 submitters: Uncertain significance (2). Last evaluated 2023-06-30.

Conditions:
Hereditary sensory and autonomic neuropathy type 6. Also called: Neuropathy, hereditary sensory and autonomic, type VI; HSAN VI. Identifiers: Orphanet 314381, MedGen C3539003, MONDO:0013839, OMIM 614653.
Epidermolysis bullosa simplex 3, localized or generalized intermediate, with BP230 deficiency (EBS3). Also called: Epidermolysis bullosa simplex, autosomal recessive 2; Epidermolysis bullosa simplex due to BP230 deficiency. Identifiers: Orphanet 412181, MedGen C3809470, MONDO:0014180, OMIM 615425.
Inborn genetic diseases. Identifiers: MedGen C0950123, MeSH D030342.

Allele frequency attached by ClinVar (database versions not stated): TOPMed 0.00002; gnomAD 0.00003; gnomAD exomes 0.00003; ExAC 0.00005.
gnomAD v4.1: 29 of 1,613,544 alleles (0.0018%); highest among the groups gnomAD compares: Admixed American, 0.0033%; no homozygotes.

Submissions (2):

Ambry Genetics
Classification: Uncertain significance for Inborn genetic diseases. Last evaluated: 2023-06-30. Review status: criteria provided, single submitter. Criteria: Ambry Variant Classification Scheme 2023. Collection method: clinical testing. Allele origin: germline.

Labcorp Genetics (formerly Invitae), Labcorp
Classification: Uncertain significance for Epidermolysis bullosa simplex 3, localized or generalized intermediate, with BP230 deficiency; Hereditary sensory and autonomic neuropathy type 6. Last evaluated: 2022-11-01. Review status: criteria provided, single submitter. Criteria: Invitae Variant Classification Sherloc (09022015). Collection method: clinical testing. Allele origin: germline.
Comment: The DST gene has multiple clinically relevant transcripts. This variant occurs in alternate transcript NM_015548.4, and corresponds to NM_001723.5:c.*17577A>G in the primary transcript. This sequence change replaces asparagine, which is neutral and polar, with aspartic acid, which is acidic and polar, at codon 1376 of the DST protein (p.Asn1376Asp). This variant is present in population databases (rs763176189, gnomAD 0.005%). This variant has not been reported in the literature in individuals affected with DST-related conditions. In summary, the available evidence is currently insufficient to determine the role of this variant in disease. Therefore, it has been classified as a Variant of Uncertain Significance.